The following is an entry in ClinVar:

ClinVar aggregate classification (germline): Uncertain significance. Review status: criteria provided, multiple submitters, no conflicts (2 of 4 stars). 2 submissions from 2 submitters: Uncertain significance (2). Last evaluated 2024-10-18.

Conditions:
Autosomal dominant hypocalcemia 1 (HYPOC1). Also called: HYPOCALCEMIA, FAMILIAL. Identifiers: MedGen C3715128, MONDO:0011013, OMIM 601198.
Familial hypocalciuric hypercalcemia (FHH). Also called: Familial benign hypercalcemia. Identifiers: Orphanet 405, MedGen C1809471, MONDO:0018458.

Allele frequency attached by ClinVar (database versions not stated): ExAC 0.00001.

Submissions (2):

Revvity Omics, Revvity
Classification: Uncertain significance. Last evaluated: 2024-10-18. Review status: criteria provided, single submitter. Criteria: ACMG Guidelines, 2015. Collection method: clinical testing. Allele origin: germline.

Labcorp Genetics (formerly Invitae), Labcorp
Classification: Uncertain significance for Familial hypocalciuric hypercalcemia; Autosomal dominant hypocalcemia 1. Last evaluated: 2023-01-07. Review status: criteria provided, single submitter. Criteria: Invitae Variant Classification Sherloc (09022015). Collection method: clinical testing. Allele origin: germline.
Comment: In summary, the available evidence is currently insufficient to determine the role of this variant in disease. Therefore, it has been classified as a Variant of Uncertain Significance. Algorithms developed to predict the effect of missense changes on protein structure and function are either unavailable or do not agree on the potential impact of this missense change (SIFT: "Deleterious"; PolyPhen-2: "Benign"; Align-GVGD: "Class C25"). This variant has not been reported in the literature in individuals affected with CASR-related conditions. This variant is present in population databases (rs758569521, gnomAD 0.006%). This sequence change replaces alanine, which is neutral and non-polar, with proline, which is neutral and non-polar, at codon 324 of the CASR protein (p.Ala324Pro).

NM_000388.4(CASR):c.970G>C (p.Ala324Pro)

Gene: CASR (calcium sensing receptor; plus strand). Cytogenetic location: 3q21.1.
Variant type: single nucleotide variant.
Coding change: c.970G>C on transcript NM_000388.4 (MANE Select); coding-DNA position 970, G replaced by C.
Protein change: p.Ala324Pro; replaces alanine 324 with proline.
Molecular consequence: missense variant.
Genome position (GRCh38, 1-based): chr3:122,262,005, G>C. VCF-style: chr3-122262005-G-C. GRCh37 (hg19) VCF-style: chr3-121980852-G-C.
Other names: c.970G>C, p.Ala324Pro (NM_001178065.2); short protein forms A324P.
Identifiers: ClinVar variation 2933111 (VCV002933111.4), dbSNP rs758569521, ClinGen allele CA2569568.